The following is an entry in ClinVar:

NM_001267550.2(TTN):c.2226C>T (p.Ser742=)

Gene: TTN (titin; minus strand). Cytogenetic location: 2q31.2.
Variant type: single nucleotide variant.
Coding change: c.2226C>T on transcript NM_001267550.2 (MANE Select); coding-DNA position 2226, C replaced by T.
Protein change: p.Ser742=; no amino-acid change (serine 742 retained).
Molecular consequence: synonymous variant.
Genome position (GRCh38, 1-based): chr2:178,785,992, G>A on the plus strand (C>T on the coding strand, the complement: TTN is on the minus strand). VCF-style: chr2-178785992-G-A. GRCh37 (hg19) VCF-style: chr2-179650719-G-A.
Other names: c.2088C>T, p.Ser696= (NM_003319.4, NM_133432.3, NM_133437.4); c.2226C>T, p.Ser742= (NM_133378.4, NM_133379.5, NM_001256850.1).
Identifiers: ClinVar variation 413122 (VCV000413122.17), dbSNP rs151025677, ClinGen allele CA2005873.

ClinVar aggregate classification (germline): Likely benign. Review status: criteria provided, multiple submitters, no conflicts (2 of 4 stars). 6 submissions from 6 submitters: Likely benign (6). Last evaluated 2026-01-27.

Conditions:
Cardiovascular phenotype. Identifiers: MedGen CN230736.
Autosomal recessive limb-girdle muscular dystrophy type 2J (LGMDR10). Also called: Limb-girdle muscular dystrophy, type 2J; MUSCULAR DYSTROPHY, LIMB-GIRDLE, AUTOSOMAL RECESSIVE 10. Identifiers: Orphanet 140922, MedGen C1837342, MONDO:0012127, OMIM 608807.
Dilated cardiomyopathy 1G (CMD1G). Identifiers: Orphanet 154, MedGen C1858763, MONDO:0011400, OMIM 604145.
Hypertrophic cardiomyopathy 9. Also called: Familial hypertrophic cardiomyopathy 9. Identifiers: MedGen C1861065, MONDO:0013412, OMIM 613765.
Early-onset myopathy with fatal cardiomyopathy (CMYO5). Also called: Salih Myopathy; CONGENITAL MYOPATHY 5 WITH CARDIOMYOPATHY. Identifiers: Orphanet 289377, MedGen C2673677, MONDO:0012714, OMIM 611705. Disease mechanism: loss of function.
Tibial muscular dystrophy (TMD). Also called: Tibial muscular dystrophy, tardive; UDD MYOPATHY; Udd Distal Myopathy – Tibial Muscular Dystrophy. Identifiers: Orphanet 609, MedGen C1838244, MONDO:0010870, OMIM 600334.
Myopathy, myofibrillar, 9, with early respiratory failure (MFM9). Also called: MYOPATHY, PROXIMAL, WITH EARLY RESPIRATORY MUSCLE INVOLVEMENT; Hereditary myopathy with early respiratory failure; EDSTROM MYOPATHY; Myopathy, distal, with early respiratory failure, autosomal dominant. Identifiers: Orphanet 178464, Orphanet 34521, MedGen C1863599, MONDO:0011362, OMIM 603689.
Cardiomyopathy (CMYO). Also called: Cardiomyopathies. Identifiers: Orphanet 167848, MedGen C0878544, MONDO:0004994, HP:0001638. Inheritance: Various modes of inheritance.

Allele frequency attached by ClinVar (database versions not stated): ESP Exome Variant Server 0.00008; TOPMed 0.00012.
gnomAD v4.1: 113 of 1,613,938 alleles (0.007%); highest among the groups gnomAD compares: African/African-American, 0.013%; no homozygotes.

Submissions (6):

Labcorp Genetics (formerly Invitae), Labcorp
Classification: Likely benign for Dilated cardiomyopathy 1G; Autosomal recessive limb-girdle muscular dystrophy type 2J. Last evaluated: 2026-01-27. Review status: criteria provided, single submitter. Criteria: Invitae Variant Classification Sherloc (09022015). Collection method: clinical testing. Allele origin: germline.

Blueprint Genetics
Classification: Likely benign. Last evaluated: 2024-03-14. Review status: criteria provided, single submitter. Criteria: ACMG Guidelines, 2015. Collection method: clinical testing. Allele origin: germline.

CHEO Genetics Diagnostic Laboratory, Children's Hospital of Eastern Ontario
Classification: Likely benign for Cardiomyopathy. Last evaluated: 2022-11-16. Review status: criteria provided, single submitter. Criteria: ACMG Guidelines, 2015. Collection method: clinical testing. Allele origin: germline.

Fulgent Genetics
Classification: Likely benign for Tibial muscular dystrophy; Myopathy, myofibrillar, 9, with early respiratory failure; Dilated cardiomyopathy 1G; Autosomal recessive limb-girdle muscular dystrophy type 2J; Early-onset myopathy with fatal cardiomyopathy; Hypertrophic cardiomyopathy 9. Last evaluated: 2021-09-28. Review status: criteria provided, single submitter. Criteria: ACMG Guidelines, 2015. Collection method: clinical testing. Allele origin: unknown.

Ambry Genetics
Classification: Likely benign for Cardiovascular phenotype. Last evaluated: 2019-03-05. Review status: criteria provided, single submitter. Criteria: Ambry Variant Classification Scheme 2023. Collection method: clinical testing. Allele origin: germline.

GeneDx
Classification: Likely benign. Last evaluated: 2017-12-14. Review status: criteria provided, single submitter. Criteria: GeneDx Variant Classification (06012015). Collection method: clinical testing. Allele origin: germline. Affected: yes.
Comment: This variant is considered likely benign or benign based on one or more of the following criteria: it is a conservative change, it occurs at a poorly conserved position in the protein, it is predicted to be benign by multiple in silico algorithms, and/or has population frequency not consistent with disease.